The following is an entry in ClinVar:

ClinVar aggregate classification (germline): Likely benign. Review status: criteria provided, multiple submitters, no conflicts (2 of 4 stars). 4 submissions from 4 submitters: Likely benign (4). Last evaluated 2025-12-22.

Conditions:
Cardiovascular phenotype. Identifiers: MedGen CN230736.
Catecholaminergic polymorphic ventricular tachycardia (CVPT). Also called: Catecholamine-induced polymorphic ventricular tachycardia. Identifiers: Orphanet 3286, MedGen C5574922, MONDO:0017990.
Catecholaminergic polymorphic ventricular tachycardia 1. Also called: RYR2-Related Catecholaminergic Polymorphic Ventricular Tachycardia; VENTRICULAR TACHYCARDIA, CATECHOLAMINERGIC POLYMORPHIC, 1, WITH OR WITHOUT ATRIAL DYSFUNCTION AND/OR DILATED CARDIOMYOPATHY; VENTRICULAR TACHYCARDIA, STRESS-INDUCED POLYMORPHIC 1. Identifiers: Orphanet 3286, MedGen C1631597, MONDO:0011484, OMIM 604772.

Allele frequency attached by ClinVar (database versions not stated): gnomAD exomes below 0.00001; gnomAD 0.00001; TOPMed 0.00003; ESP Exome Variant Server 0.00008.
gnomAD v4.1: 8 of 1,613,830 alleles (0.0005%); highest among the groups gnomAD compares: African/African-American, 0.004%; no homozygotes.

Submissions (4):

Labcorp Genetics (formerly Invitae), Labcorp
Classification: Likely benign for Catecholaminergic polymorphic ventricular tachycardia 1. Last evaluated: 2025-12-22. Review status: criteria provided, single submitter. Criteria: Invitae Variant Classification Sherloc (09022015). Collection method: clinical testing. Allele origin: germline.

All of Us Research Program, National Institutes of Health
Classification: Likely benign for Catecholaminergic polymorphic ventricular tachycardia. Last evaluated: 2023-11-28. Review status: criteria provided, single submitter. Criteria: ACMG Guidelines, 2015. Collection method: clinical testing. Allele origin: germline. Inheritance: Autosomal dominant inheritance. Observed: 2 variant alleles, 2 heterozygotes.
Comment: This study involves interpretation of variants in research participants for the purpose of population health screening. Participant phenotype was not available at the time of variant classification. Additional details can be found in publication PMID: 35346344, PMCID: PMC8962531

Blueprint Genetics
Classification: Likely benign. Last evaluated: 2020-04-01. Review status: criteria provided, single submitter. Criteria: ACMG Guidelines, 2015. Collection method: clinical testing. Allele origin: germline.

Ambry Genetics
Classification: Likely benign for Cardiovascular phenotype. Last evaluated: 2020-02-11. Review status: criteria provided, single submitter. Criteria: Ambry Variant Classification Scheme 2023. Collection method: clinical testing. Allele origin: germline.

NM_001035.3(RYR2):c.12297C>T (p.Ala4099=)

Gene: RYR2 (ryanodine receptor 2; plus strand). Cytogenetic location: 1q43.
Variant type: single nucleotide variant.
Coding change: c.12297C>T on transcript NM_001035.3 (MANE Select); coding-DNA position 12297, C replaced by T.
Protein change: p.Ala4099=; no amino-acid change (alanine 4099 retained).
Molecular consequence: synonymous variant.
Genome position (GRCh38, 1-based): chr1:237,784,009, C>T. VCF-style: chr1-237784009-C-T. GRCh37 (hg19) VCF-style: chr1-237947309-C-T.
Identifiers: ClinVar variation 1149884 (VCV001149884.14), dbSNP rs369971378, ClinGen allele CA39827423.